The following is an entry in ClinVar:

ClinVar aggregate classification (germline): Uncertain significance (1 of 4 stars; one submission).

Conditions:
Heterotopia, periventricular, X-linked dominant (PVNH1). Also called: PERIVENTRICULAR NODULAR HETEROTOPIA 4; HETEROTOPIA, PERIVENTRICULAR, 1; PERIVENTRICULAR NODULAR HETEROTOPIA 1; X-linked periventricular heterotopia. Identifiers: Orphanet 2149, Orphanet 82004, MedGen C1848213, MONDO:0010233, OMIM 300049.
Oto-palato-digital syndrome, type II (OPD2). Also called: Otopalatodigital Syndrome, Type II; Otopalatodigital Syndrome Type 2 (FLNA-OPD2); FACIOPALATOOSSEOUS SYNDROME; OPD II SYNDROME. Identifiers: Orphanet 669, Orphanet 90652, MedGen C1844696, MONDO:0010571, OMIM 304120.
Melnick-Needles syndrome (MNS). Also called: Melnick-Needles Syndrome (FLNA-MNS); MELNICK-NEEDLES OSTEODYSPLASTY; OSTEODYSPLASTY OF MELNICK AND NEEDLES. Identifiers: Orphanet 2484, MedGen C0025237, MONDO:0010650, OMIM 309350.
Frontometaphyseal dysplasia (FMD1). Identifiers: Orphanet 1826, MedGen C0265293, MONDO:0015942.

gnomAD v4.1: 2 of 1,209,893 alleles (0.00017%); highest among the groups gnomAD compares: South Asian, 0.0018%; no homozygotes.

Submission:

Labcorp Genetics (formerly Invitae), Labcorp
Classification: Uncertain significance for Oto-palato-digital syndrome, type II; Heterotopia, periventricular, X-linked dominant; Frontometaphyseal dysplasia; Melnick-Needles syndrome. Last evaluated: 2025-10-02. Review status: criteria provided, single submitter. Criteria: Invitae Variant Classification Sherloc (09022015). Collection method: clinical testing. Allele origin: germline.
Comment: This sequence change replaces glutamine, which is neutral and polar, with arginine, which is basic and polar, at codon 668 of the FLNA protein (p.Gln668Arg). This variant is not present in population databases (gnomAD no frequency). This variant has not been reported in the literature in individuals affected with FLNA-related conditions. ClinVar contains an entry for this variant (Variation ID: 954463). Invitae Evidence Modeling of protein sequence and biophysical properties (such as structural, functional, and spatial information, amino acid conservation, physicochemical variation, residue mobility, and thermodynamic stability) indicates that this missense variant is not expected to disrupt FLNA protein function with a negative predictive value of 95%. In summary, the available evidence is currently insufficient to determine the role of this variant in disease. Therefore, it has been classified as a Variant of Uncertain Significance.

NM_001110556.2(FLNA):c.2003A>G (p.Gln668Arg)

Gene: FLNA (filamin A; minus strand). Cytogenetic location: Xq28.
Variant type: single nucleotide variant.
Coding change: c.2003A>G on transcript NM_001110556.2 (MANE Select); coding-DNA position 2003, A replaced by G.
Protein change: p.Gln668Arg; replaces glutamine 668 with arginine.
Molecular consequence: missense variant.
Genome position (GRCh38, 1-based): chrX:154,364,545, T>C on the plus strand (A>G on the coding strand, the complement: FLNA is on the minus strand). VCF-style: chrX-154364545-T-C. GRCh37 (hg19) VCF-style: chrX-153592913-T-C.
Other names: c.2003A>G, p.Gln668Arg (NM_001456.4); short protein forms Q668R.
Identifiers: ClinVar variation 954463 (VCV000954463.10), dbSNP rs1603362336, ClinGen allele CA415241178.